The following is an entry in ClinVar:

NM_003835.4(RGS9):c.922C>T (p.Arg308Ter)

Gene: RGS9 (regulator of G protein signaling 9; plus strand). Cytogenetic location: 17q24.1.
Variant type: single nucleotide variant.
Coding change: c.922C>T on transcript NM_003835.4 (MANE Select); coding-DNA position 922, C replaced by T.
Protein change: p.Arg308Ter; replaces arginine 308 with a stop codon.
Molecular consequence: nonsense.
Genome position (GRCh38, 1-based): chr17:65,197,187, C>T. VCF-style: chr17-65197187-C-T. GRCh37 (hg19) VCF-style: chr17-63193305-C-T.
Other names: c.913C>T, p.Arg305Ter (NM_001081955.3, NM_001165933.2); short protein forms R305*, R308*.
Identifiers: ClinVar variation 4531278 (VCV004531278.2).

ClinVar aggregate classification (germline): Likely pathogenic. Review status: criteria provided, multiple submitters, no conflicts (2 of 4 stars). 2 submissions from 2 submitters: Likely pathogenic (2). Last evaluated 2024-04-11.

Conditions:
Prolonged electroretinal response suppression 1 (PERRS1). Also called: BRADYOPSIA 1. Identifiers: MedGen C5829874, MONDO:0958180, OMIM 608415.
RGS9-related disorder. Also called: RGS9-related condition.

gnomAD v4.1: 9 of 1,613,958 alleles (0.00056%); highest among the groups gnomAD compares: African/African-American, 0.0013%; no homozygotes.

Submissions (2):

Blueprint Genetics
Classification: Likely pathogenic for RGS9-related disorders. Last evaluated: 2024-04-11. Review status: criteria provided, single submitter. Criteria: ACMG Guidelines, 2015. Collection method: clinical testing. Allele origin: germline. Affected: yes. Observed: 1 variant allele.

Juno Genomics, Hangzhou Juno Genomics, Inc
Classification: Likely pathogenic for Prolonged electroretinal response suppression 1. Review status: criteria provided, single submitter. Criteria: ACMG Guidelines, 2015. Collection method: clinical testing. Allele origin: germline. Affected: yes.
Comment: Absent from controls (or at extremely low frequency if recessive) in Genome Aggregation Database, Exome Sequencing Project, 1000 Genomes Project, or Exome Aggregation Consortium.;Null variant in a gene where loss of function (LOF) is a known mechanism of disease.